The following is an entry in ClinVar:

NM_145059.3(FCSK):c.2707C>T (p.Gln903Ter)

Gene: FCSK (fucose kinase; plus strand). Cytogenetic location: 16q22.1.
Variant type: single nucleotide variant.
Coding change: c.2707C>T on transcript NM_145059.3 (MANE Select); coding-DNA position 2707, C replaced by T.
Protein change: p.Gln903Ter; replaces glutamine 903 with a stop codon.
Molecular consequence: nonsense.
Genome position (GRCh38, 1-based): chr16:70,478,337, C>T. VCF-style: chr16-70478337-C-T. GRCh37 (hg19) VCF-style: chr16-70512240-C-T.
Other names: short protein forms Q903*.
Identifiers: ClinVar variation 3066352 (VCV003066352.1), dbSNP rs2507451055, ClinGen allele CA396574761.

ClinVar aggregate classification (germline): Uncertain significance (1 of 4 stars; one submission).

Conditions:
Congenital disorder of glycosylation with defective fucosylation 2 (CDGF2). Identifiers: MedGen C5193028, MONDO:0020777, OMIM 618324.

Allele frequency attached by ClinVar (database versions not stated): gnomAD exomes below 0.00001.

Submission:

MVZ Medizinische Genetik Mainz
Classification: Uncertain significance for Congenital disorder of glycosylation with defective fucosylation 2. Last evaluated: 2023-02-01. Review status: criteria provided, single submitter. Criteria: UK Practice Guidelines For Variant Classification V4 01 2020. Collection method: clinical testing. Allele origin: germline. Inheritance: Autosomal recessive inheritance. Affected: yes. Observed: 1 variant allele.
Comment: ACMG Criteria: PVS1_MOD, PM2_SUP (ACMG Version 4)